The following is an entry in ClinVar:

NM_001035.3(RYR2):c.7010G>T (p.Gly2337Val)

Gene: RYR2 (ryanodine receptor 2; plus strand). Cytogenetic location: 1q43.
Variant type: single nucleotide variant.
Coding change: c.7010G>T on transcript NM_001035.3 (MANE Select); coding-DNA position 7010, G replaced by T.
Protein change: p.Gly2337Val; replaces glycine 2337 with valine.
Molecular consequence: missense variant.
Genome position (GRCh38, 1-based): chr1:237,639,096, G>T. VCF-style: chr1-237639096-G-T. GRCh37 (hg19) VCF-style: chr1-237802396-G-T.
Other names: short protein forms G2337V.
Identifiers: ClinVar variation 1317496 (VCV001317496.4), dbSNP rs2148727943, ClinGen allele CA345395898.
Genomic context (GRCh38, chr1:237,639,096, plus strand): 5'-CAAATGTCGTGGTGAGATTGCTCATTCGGAGGCCTGAGTGTTTTGGTCCTGCTTTGAGAG[G>T]AGAAGGTGGGAATGGGCTTCTTGCAGCAATGGAAGAAGCCATCAAAATCGCCGAGGATCC-3'
Protein context (NP_001026.2, residues 2327-2347): RPECFGPALR[Gly2337Val]EGGNGLLAAM

ClinVar aggregate classification (germline): Conflicting classifications of pathogenicity. Review status: criteria provided, conflicting classifications (1 of 4 stars). 2 submissions from 2 submitters: Pathogenic (1); Uncertain significance (1). Last evaluated 2024-11-28.

Conditions:
Catecholaminergic polymorphic ventricular tachycardia 1. Also called: RYR2-Related Catecholaminergic Polymorphic Ventricular Tachycardia; VENTRICULAR TACHYCARDIA, CATECHOLAMINERGIC POLYMORPHIC, 1, WITH OR WITHOUT ATRIAL DYSFUNCTION AND/OR DILATED CARDIOMYOPATHY; VENTRICULAR TACHYCARDIA, STRESS-INDUCED POLYMORPHIC 1. Identifiers: Orphanet 3286, MedGen C1631597, MONDO:0011484, OMIM 604772.

Submissions (2):

Labcorp Genetics (formerly Invitae), Labcorp
Classification: Pathogenic for Catecholaminergic polymorphic ventricular tachycardia 1. Last evaluated: 2024-11-28. Review status: criteria provided, single submitter. Criteria: Invitae Variant Classification Sherloc (09022015). Collection method: clinical testing. Allele origin: germline.
Comment: This sequence change replaces glycine, which is neutral and non-polar, with valine, which is neutral and non-polar, at codon 2337 of the RYR2 protein (p.Gly2337Val). This variant is not present in population databases (gnomAD no frequency). This missense change has been observed in individual(s) with autosomal dominant RYR2-related conditions (PMID: 20106799). It has also been observed to segregate with disease in related individuals. ClinVar contains an entry for this variant (Variation ID: 1317496). Invitae Evidence Modeling of protein sequence and biophysical properties (such as structural, functional, and spatial information, amino acid conservation, physicochemical variation, residue mobility, and thermodynamic stability) indicates that this missense variant is expected to disrupt RYR2 protein function with a positive predictive value of 95%. For these reasons, this variant has been classified as Pathogenic.

GeneDx
Classification: Uncertain significance. Last evaluated: 2019-08-08. Review status: criteria provided, single submitter. Criteria: GeneDx Variant Classification Process June 2021. Collection method: clinical testing. Allele origin: germline. Affected: yes.
Comment: Reported in multiple individuals with CPVT from at least two families, though detailed clinical and segregation information was not provided (Haugaa et al., 2010; Manotheepan et al., 2014); Not observed in large population cohorts (Lek et al., 2016); In silico analysis, which includes protein predictors and evolutionary conservation, supports a deleterious effect; Is located in one of the three hot-spot regions of the RYR2 gene, where the majority of pathogenic missense variants occur (Medeiros-Domingo et al., 2009); This variant is associated with the following publications: (PMID: 20106799, 24025405, 24837260, 33825858)

Literature cited by the submitters: PubMed 20106799 (cited by Labcorp Genetics (formerly Invitae), Labcorp).